The following is an entry in ClinVar:

ClinVar aggregate classification (germline): Uncertain significance. Review status: criteria provided, multiple submitters, no conflicts (2 of 4 stars). 2 submissions from 2 submitters: Uncertain significance (2). Last evaluated 2023-08-10.

Conditions:
Dyskeratosis congenita. Identifiers: Orphanet 1775, MedGen C0265965, MONDO:0015780.
Idiopathic Pulmonary Fibrosis. Also called: Idiopathic fibrosing alveolitis, chronic form; idiopathic fibrosing alveolitis. Identifiers: Orphanet 2032, MedGen C1800706, MeSH D054990, MONDO:0800504.
Dyskeratosis congenita, autosomal dominant 2. Identifiers: MedGen C3151443, MONDO:0013521, OMIM 613989.

Submissions (2):

Labcorp Genetics (formerly Invitae), Labcorp
Classification: Uncertain significance for Dyskeratosis congenita, autosomal dominant 2; Idiopathic Pulmonary Fibrosis. Last evaluated: 2023-08-10. Review status: criteria provided, single submitter. Criteria: Invitae Variant Classification Sherloc (09022015). Collection method: clinical testing. Allele origin: germline.
Comment: This sequence change replaces leucine, which is neutral and non-polar, with valine, which is neutral and non-polar, at codon 346 of the TERT protein (p.Leu346Val). This variant is not present in population databases (gnomAD no frequency). This variant has not been reported in the literature in individuals affected with TERT-related conditions. ClinVar contains an entry for this variant (Variation ID: 848032). Algorithms developed to predict the effect of missense changes on protein structure and function output the following: SIFT: "Not Available"; PolyPhen-2: "Benign"; Align-GVGD: "Not Available". The valine amino acid residue is found in multiple mammalian species, which suggests that this missense change does not adversely affect protein function. In summary, the available evidence is currently insufficient to determine the role of this variant in disease. Therefore, it has been classified as a Variant of Uncertain Significance.

Ambry Genetics
Classification: Uncertain significance for Dyskeratosis congenita. Last evaluated: 2022-03-06. Review status: criteria provided, single submitter. Criteria: Ambry Variant Classification Scheme 2023. Collection method: clinical testing. Allele origin: germline.
Comment: The p.L346V variant (also known as c.1036C>G), located in coding exon 2 of the TERT gene, results from a C to G substitution at nucleotide position 1036. The leucine at codon 346 is replaced by valine, an amino acid with highly similar properties. This amino acid position is conserved. In addition, the in silico prediction for this alteration is inconclusive. Since supporting evidence is limited at this time, the clinical significance of this alteration remains unclear.

NM_198253.3(TERT):c.1036C>G (p.Leu346Val)

Gene: TERT (telomerase reverse transcriptase; minus strand). Cytogenetic location: 5p15.33.
Variant type: single nucleotide variant.
Coding change: c.1036C>G on transcript NM_198253.3 (MANE Select); coding-DNA position 1036, C replaced by G.
Protein change: p.Leu346Val; replaces leucine 346 with valine.
Molecular consequence: missense variant. On other transcripts: non-coding transcript variant (2).
Genome position (GRCh38, 1-based): chr5:1,293,850, G>C on the plus strand (C>G on the coding strand, the complement: TERT is on the minus strand). VCF-style: chr5-1293850-G-C. GRCh37 (hg19) VCF-style: chr5-1293965-G-C.
Other names: c.1036C>G, p.Leu346Val (NM_001193376.3); short protein forms L346V.
Identifiers: ClinVar variation 848032 (VCV000848032.12), dbSNP rs1751169610, ClinGen allele CA359055843.